The following is an entry in ClinVar:

NM_000260.4(MYO7A):c.1796T>C (p.Met599Thr)

Gene: MYO7A (myosin VIIA; plus strand). Cytogenetic location: 11q13.5.
Variant type: single nucleotide variant.
Coding change: c.1796T>C on transcript NM_000260.4 (MANE Select); coding-DNA position 1796, T replaced by C.
Protein change: p.Met599Thr; replaces methionine 599 with threonine.
Molecular consequence: missense variant.
Genome position (GRCh38, 1-based): chr11:77,166,161, T>C. VCF-style: chr11-77166161-T-C. GRCh37 (hg19) VCF-style: chr11-76877207-T-C.
Other names: c.1796T>C, p.Met599Thr (NM_001127180.2); c.1763T>C, p.Met588Thr (NM_001369365.1); short protein forms M599T, M588T.
Identifiers: ClinVar variation 1037129 (VCV001037129.3), dbSNP rs1007494594, ClinGen allele CA381937287.

ClinVar aggregate classification (germline): Uncertain significance. Review status: criteria provided, single submitter (1 of 4 stars). 2 submissions from 2 submitters: Uncertain significance (1). 1 of the submissions does not count toward it. Last evaluated 2022-10-17.

Conditions:
Usher syndrome type 1B (USH1B). Also called: Usher syndrome type IB. Identifiers: MedGen C1848638, MONDO:0700087.

Allele frequency attached by ClinVar (database versions not stated): gnomAD exomes below 0.00001 and 0.00001; gnomAD 0.00001; TOPMed 0.00001.
gnomAD v4.1: 4 of 1,613,554 alleles (0.00025%); highest among the groups gnomAD compares: Admixed American, 0.005%; no homozygotes.

Submissions (2):

Labcorp Genetics (formerly Invitae), Labcorp
Classification: Uncertain significance. Last evaluated: 2022-10-17. Review status: criteria provided, single submitter. Criteria: Invitae Variant Classification Sherloc (09022015). Collection method: clinical testing. Allele origin: germline.
Comment: This sequence change replaces methionine, which is neutral and non-polar, with threonine, which is neutral and polar, at codon 599 of the MYO7A protein (p.Met599Thr). This variant is present in population databases (no rsID available, gnomAD 0.006%). This variant has not been reported in the literature in individuals affected with MYO7A-related conditions. ClinVar contains an entry for this variant (Variation ID: 1037129). Algorithms developed to predict the effect of missense changes on protein structure and function are either unavailable or do not agree on the potential impact of this missense change (SIFT: "Deleterious"; PolyPhen-2: "Possibly Damaging"; Align-GVGD: "Class C0"). In summary, the available evidence is currently insufficient to determine the role of this variant in disease. Therefore, it has been classified as a Variant of Uncertain Significance.

Natera, Inc.
Classification: Uncertain significance for Usher syndrome type 1B. Last evaluated: 2021-07-21. Review status: no assertion criteria provided. Collection method: clinical testing. Allele origin: germline. Not counted in ClinVar's aggregate classification.